The following is an entry in ClinVar:

NM_001164508.2(NEB):c.8363T>C (p.Ile2788Thr)

Gene: NEB (nebulin; minus strand). Cytogenetic location: 2q23.3.
Variant type: single nucleotide variant.
Coding change: c.8363T>C on transcript NM_001164508.2 (MANE Select); coding-DNA position 8363, T replaced by C.
Protein change: p.Ile2788Thr; replaces isoleucine 2788 with threonine.
Molecular consequence: missense variant.
Genome position (GRCh38, 1-based): chr2:151,642,584, A>G on the plus strand (T>C on the coding strand, the complement: NEB is on the minus strand). VCF-style: chr2-151642584-A-G. GRCh37 (hg19) VCF-style: chr2-152499098-A-G.
Other names: c.8363T>C, p.Ile2788Thr (NM_001164507.2, NM_001271208.2, NM_004543.5); c.8363T>C (NM_004543.4); short protein forms I2788T.
Identifiers: ClinVar variation 515146 (VCV000515146.8), dbSNP rs990382620, ClinGen allele CA57667258.

ClinVar aggregate classification (germline): Conflicting classifications of pathogenicity. Review status: criteria provided, conflicting classifications (1 of 4 stars). 4 submissions from 4 submitters: Uncertain significance (3); Likely benign (1). Last evaluated 2025-12-19.

Conditions:
Inborn genetic diseases. Identifiers: MedGen C0950123, MeSH D030342.
Nemaline myopathy 2 (NEM2). Also called: Nemaline myopathy 2, autosomal recessive. Identifiers: MedGen C1850569, MONDO:0009725, OMIM 256030.

Allele frequency attached by ClinVar (database versions not stated): gnomAD exomes 0.00001; TOPMed 0.00003; gnomAD 0.00004.
gnomAD v4.1: 26 of 1,611,000 alleles (0.0016%); highest among the groups gnomAD compares: African/African-American, 0.0067%; no homozygotes.

Submissions (4):

Labcorp Genetics (formerly Invitae), Labcorp
Classification: Uncertain significance for Nemaline myopathy 2. Last evaluated: 2025-12-19. Review status: criteria provided, single submitter. Criteria: Invitae Variant Classification Sherloc (09022015). Collection method: clinical testing. Allele origin: germline.
Comment: This sequence change replaces isoleucine, which is neutral and non-polar, with threonine, which is neutral and polar, at codon 2788 of the NEB protein (p.Ile2788Thr). This variant is present in population databases (no rsID available, gnomAD 0.008%). This variant has not been reported in the literature in individuals affected with NEB-related conditions. ClinVar contains an entry for this variant (Variation ID: 515146). Experimental studies and prediction algorithms are not available or were not evaluated, and the functional significance of this variant is currently unknown. In summary, the available evidence is currently insufficient to determine the role of this variant in disease. Therefore, it has been classified as a Variant of Uncertain Significance.

Ambry Genetics
Classification: Uncertain significance for Inborn genetic diseases. Last evaluated: 2025-02-25. Review status: criteria provided, single submitter. Criteria: Ambry Variant Classification Scheme 2023. Collection method: clinical testing. Allele origin: germline.

Revvity Omics, Revvity
Classification: Uncertain significance. Last evaluated: 2019-05-03. Review status: criteria provided, single submitter. Criteria: ACMG Guidelines, 2015. Collection method: clinical testing. Allele origin: germline.

GeneDx
Classification: Likely benign. Last evaluated: 2018-02-01. Review status: criteria provided, single submitter. Criteria: GeneDx Variant Classification (06012015). Collection method: clinical testing. Allele origin: germline. Affected: yes.
Comment: This variant is considered likely benign or benign based on one or more of the following criteria: it is a conservative change, it occurs at a poorly conserved position in the protein, it is predicted to be benign by multiple in silico algorithms, and/or has population frequency not consistent with disease.